The following is an entry in ClinVar:

ClinVar aggregate classification (germline): Uncertain significance (1 of 4 stars; one submission).

Conditions:
Hereditary spastic paraplegia 63. Also called: Spastic paraplegia 63, autosomal recessive. Identifiers: Orphanet 401805, MedGen C3810295, MONDO:0014305, OMIM 615686.

Allele frequency attached by ClinVar (database versions not stated): gnomAD exomes below 0.00001; TOPMed below 0.00001; gnomAD 0.00001.
gnomAD v4.1: 4 of 1,613,700 alleles (0.00025%); highest among the groups gnomAD compares: Non-Finnish European, 0.00025%; no homozygotes.

Submission:

Baylor Genetics
Classification: Uncertain significance for Hereditary spastic paraplegia 63. Last evaluated: 2018-05-15. Review status: criteria provided, single submitter. Criteria: ACMG Guidelines, 2015. Collection method: clinical testing. Allele origin: maternal. Affected: yes.
Comment: This variant was determined to be of uncertain significance according to ACMG Guidelines, 2015 [PMID:25741868].

NM_001368809.2(AMPD2):c.1103C>T (p.Ser368Leu)

Genes: AMPD2 (adenosine monophosphate deaminase 2; plus strand), LOC126805822 (BRD4-independent group 4 enhancer GRCh37_chr1:110170748-110171947; plus strand). Cytogenetic location: 1p13.3.
Variant type: single nucleotide variant.
Coding change: c.1103C>T on transcript NM_001368809.2 (MANE Select); coding-DNA position 1103, C replaced by T.
Protein change: p.Ser368Leu; replaces serine 368 with leucine.
Molecular consequence: missense variant.
Genome position (GRCh38, 1-based): chr1:109,628,105, C>T. VCF-style: chr1-109628105-C-T. GRCh37 (hg19) VCF-style: chr1-110170727-C-T.
Other names: c.1265C>T (NM_001257360.1); c.911C>T, p.Ser304Leu (NM_001257361.2); c.1040C>T, p.Ser347Leu (NM_001308170.1); c.1103C>T, p.Ser368Leu (NM_004037.9); c.1022C>T, p.Ser341Leu (NM_139156.4); short protein forms S347L, S368L, S304L, S341L.
Identifiers: ClinVar variation 1033798 (VCV001033798.1), dbSNP rs1340521500, ClinGen allele CA341557861.